The following is an entry in ClinVar:

NM_182961.4(SYNE1):c.20898A>G (p.Thr6966=)

Gene: SYNE1 (spectrin repeat containing nuclear envelope protein 1; minus strand). Cytogenetic location: 6q25.2.
Variant type: single nucleotide variant.
Coding change: c.20898A>G on transcript NM_182961.4 (MANE Select); coding-DNA position 20898, A replaced by G.
Protein change: p.Thr6966=; no amino-acid change (threonine 6966 retained).
Molecular consequence: synonymous variant.
Genome position (GRCh38, 1-based): chr6:152,231,532, T>C on the plus strand (A>G on the coding strand, the complement: SYNE1 is on the minus strand). VCF-style: chr6-152231532-T-C. GRCh37 (hg19) VCF-style: chr6-152552667-T-C.
Other names: c.20685A>G, p.Thr6895= (NM_033071.5).
Identifiers: ClinVar variation 471020 (VCV000471020.12), dbSNP rs766515787, ClinGen allele CA4054298.

ClinVar aggregate classification (germline): Conflicting classifications of pathogenicity. Review status: criteria provided, conflicting classifications (1 of 4 stars). 3 submissions from 2 submitters: Uncertain significance (1); Benign (1); Likely benign (1). Last evaluated 2022-02-06.

Conditions:
Emery-Dreifuss muscular dystrophy 4, autosomal dominant (EDMD4). Also called: EMERY-DREIFUSS MUSCULAR DYSTROPHY 4 WITH VARIABLE FEATURES. Identifiers: Orphanet 261, MedGen C2751807, MONDO:0013071, OMIM 612998.
Autosomal recessive ataxia, Beauce type. Also called: SYNE1-Related Autosomal Recessive Cerebellar Ataxia; Spinocerebellar ataxia, autosomal recessive 8; ATAXIA, RECESSIVE, OF BEAUCE; SYNE1 Deficiency. Identifiers: Orphanet 88644, MedGen C1853116, MONDO:0012549, OMIM 610743.

Allele frequency attached by ClinVar (database versions not stated): gnomAD 0.00001; gnomAD exomes 0.00002 and 0.00005; TOPMed 0.00002; ExAC 0.00005.
gnomAD v4.1: 34 of 1,614,014 alleles (0.0021%); highest among the groups gnomAD compares: East Asian, 0.062%; no homozygotes.

Submissions (3):

Labcorp Genetics (formerly Invitae), Labcorp
Classification: Likely benign for Emery-Dreifuss muscular dystrophy 4, autosomal dominant; Autosomal recessive ataxia, Beauce type. Last evaluated: 2022-02-06. Review status: criteria provided, single submitter. Criteria: Invitae Variant Classification Sherloc (09022015). Collection method: clinical testing. Allele origin: germline.

Illumina Laboratory Services, Illumina
Classification: Uncertain significance for Autosomal recessive ataxia, Beauce type. Last evaluated: 2018-01-13. Review status: criteria provided, single submitter. Criteria: ICSL Variant Classification Criteria 13 December 2019. Collection method: clinical testing. Allele origin: germline.

Illumina Laboratory Services, Illumina
Classification: Benign for Emery-Dreifuss muscular dystrophy 4, autosomal dominant. Last evaluated: 2018-01-13. Review status: criteria provided, single submitter. Criteria: ICSL Variant Classification Criteria 13 December 2019. Collection method: clinical testing. Allele origin: germline.
Comment: This variant was observed in the ICSL laboratory as part of a predisposition screen in an ostensibly healthy population. It had not been previously curated by ICSL or reported in the Human Gene Mutation Database (HGMD: prior to June 1st, 2018), and was therefore a candidate for classification through an automated scoring system. Utilizing variant allele frequency, disease prevalence and penetrance estimates, and inheritance mode, an automated score was calculated to assess if this variant is too frequent to cause the disease. Based on the score and internal cut-off values, a variant classified as benign is not then subjected to further curation. The score for this variant resulted in a classification of benign for this disease.